The following is an entry in ClinVar:

ClinVar aggregate classification (germline): Pathogenic (1 of 4 stars; one submission).

Submission:

Labcorp Genetics (formerly Invitae), Labcorp
Classification: Pathogenic. Last evaluated: 2022-05-12. Review status: criteria provided, single submitter. Criteria: Invitae Variant Classification Sherloc (09022015). Collection method: clinical testing. Allele origin: germline.
Comment: For these reasons, this variant has been classified as Pathogenic. Algorithms developed to predict the effect of sequence changes on RNA splicing suggest that this variant may disrupt the consensus splice site. This variant has not been reported in the literature in individuals affected with POLE-related conditions. This variant is not present in population databases (gnomAD no frequency). This sequence change creates a premature translational stop signal (p.Tyr921*) in the POLE gene. It is expected to result in an absent or disrupted protein product. Loss-of-function variants in POLE are known to be pathogenic (PMID: 23230001, 25948378, 30503519).

Literature cited by the submitters: PubMed 23230001; PubMed 25948378; PubMed 30503519.

NM_006231.4(POLE):c.2763C>G (p.Tyr921Ter)

Gene: POLE (DNA polymerase epsilon, catalytic subunit; minus strand). Cytogenetic location: 12q24.33.
Variant type: single nucleotide variant.
Coding change: c.2763C>G on transcript NM_006231.4 (MANE Select); coding-DNA position 2763, C replaced by G.
Protein change: p.Tyr921Ter; replaces tyrosine 921 with a stop codon.
Molecular consequence: nonsense.
Genome position (GRCh38, 1-based): chr12:132,661,628, G>C on the plus strand (C>G on the coding strand, the complement: POLE is on the minus strand). VCF-style: chr12-132661628-G-C. GRCh37 (hg19) VCF-style: chr12-133238214-G-C.
Other names: short protein forms Y921*.
Identifiers: ClinVar variation 2126204 (VCV002126204.4), dbSNP rs767254003, ClinGen allele CA387393884.